The following is an entry in ClinVar:

ClinVar aggregate classification (germline): Uncertain significance (1 of 4 stars; one submission).

Conditions:
Developmental and epileptic encephalopathy 94 (DEE94). Also called: Epileptic encephalopathy, childhood-onset; CHD2-Related Neurodevelopmental Disorders. Identifiers: Orphanet 1942, Orphanet 2382, MedGen C3809278, MONDO:0014150, OMIM 615369.

Submission:

Labcorp Genetics (formerly Invitae), Labcorp
Classification: Uncertain significance for Developmental and epileptic encephalopathy 94. Last evaluated: 2025-09-24. Review status: criteria provided, single submitter. Criteria: Invitae Variant Classification Sherloc (09022015). Collection method: clinical testing. Allele origin: germline.
Comment: This sequence change replaces arginine, which is basic and polar, with glutamine, which is neutral and polar, at codon 121 of the CHD2 protein (p.Arg121Gln). This variant is not present in population databases (gnomAD no frequency). This variant has not been reported in the literature in individuals affected with CHD2-related conditions. Invitae Evidence Modeling of protein sequence and biophysical properties (such as structural, functional, and spatial information, amino acid conservation, physicochemical variation, residue mobility, and thermodynamic stability) indicates that this missense variant is not expected to disrupt CHD2 protein function with a negative predictive value of 95%. In summary, the available evidence is currently insufficient to determine the role of this variant in disease. Therefore, it has been classified as a Variant of Uncertain Significance.

NM_001271.4(CHD2):c.362G>A (p.Arg121Gln)

Gene: CHD2 (chromodomain helicase DNA binding protein 2; plus strand). Cytogenetic location: 15q26.1.
Variant type: single nucleotide variant.
Coding change: c.362G>A on transcript NM_001271.4 (MANE Select); coding-DNA position 362, G replaced by A.
Protein change: p.Arg121Gln; replaces arginine 121 with glutamine.
Molecular consequence: missense variant.
Genome position (GRCh38, 1-based): chr15:92,927,311, G>A. VCF-style: chr15-92927311-G-A. GRCh37 (hg19) VCF-style: chr15-93470541-G-A.
Other names: c.362G>A, p.Arg121Gln (NM_001042572.3); short protein forms R121Q.
Identifiers: ClinVar variation 4802427 (VCV004802427.1).